The following is an entry in ClinVar:

NM_031935.3(HMCN1):c.14236A>G (p.Ser4746Gly)

Gene: HMCN1 (hemicentin 1; plus strand). Cytogenetic location: 1q31.1.
Variant type: single nucleotide variant.
Coding change: c.14236A>G on transcript NM_031935.3 (MANE Select); coding-DNA position 14236, A replaced by G.
Protein change: p.Ser4746Gly; replaces serine 4746 with glycine.
Molecular consequence: missense variant.
Genome position (GRCh38, 1-based): chr1:186,144,673, A>G. VCF-style: chr1-186144673-A-G. GRCh37 (hg19) VCF-style: chr1-186113805-A-G.
Other names: short protein forms S4746G.
Identifiers: ClinVar variation 2991151 (VCV002991151.3), dbSNP rs1386429609, ClinGen allele CA343915581.

ClinVar aggregate classification (germline): Uncertain significance (1 of 4 stars; one submission).

Allele frequency attached by ClinVar (database versions not stated): gnomAD 0.00001; gnomAD exomes 0.00001; TOPMed 0.00001.
gnomAD v4.1: 11 of 1,614,002 alleles (0.00068%); highest among the groups gnomAD compares: Admixed American, 0.0033%; no homozygotes.

Submission:

Labcorp Genetics (formerly Invitae), Labcorp
Classification: Uncertain significance. Last evaluated: 2025-06-25. Review status: criteria provided, single submitter. Criteria: Invitae Variant Classification Sherloc (09022015). Collection method: clinical testing. Allele origin: germline.
Comment: This sequence change replaces serine, which is neutral and polar, with glycine, which is neutral and non-polar, at codon 4746 of the HMCN1 protein (p.Ser4746Gly). This variant is present in population databases (no rsID available, gnomAD 0.003%). This variant has not been reported in the literature in individuals affected with HMCN1-related conditions. ClinVar contains an entry for this variant (Variation ID: 2991151). An algorithm developed to predict the effect of missense changes on protein structure and function (PolyPhen-2) suggests that this variant is likely to be disruptive. In summary, the available evidence is currently insufficient to determine the role of this variant in disease. Therefore, it has been classified as a Variant of Uncertain Significance.